The following is an entry in ClinVar:

ClinVar aggregate classification (germline): Uncertain significance (1 of 4 stars; one submission).

gnomAD v4.1: 1 of 1,578,822 alleles (0.000063%); no homozygotes.

Submission:

Labcorp Genetics (formerly Invitae), Labcorp
Classification: Uncertain significance. Last evaluated: 2022-03-29. Review status: criteria provided, single submitter. Criteria: Invitae Variant Classification Sherloc (09022015). Collection method: clinical testing. Allele origin: germline.
Comment: This variant has not been reported in the literature in individuals affected with CABP4-related conditions. Algorithms developed to predict the effect of missense changes on protein structure and function are either unavailable or do not agree on the potential impact of this missense change (SIFT: "Tolerated"; PolyPhen-2: "Possibly Damaging"; Align-GVGD: "Class C0"). In summary, the available evidence is currently insufficient to determine the role of this variant in disease. Therefore, it has been classified as a Variant of Uncertain Significance. This variant is not present in population databases (gnomAD no frequency). This sequence change replaces glutamic acid, which is acidic and polar, with glutamine, which is neutral and polar, at codon 217 of the CABP4 protein (p.Glu217Gln).

NM_145200.5(CABP4):c.649G>C (p.Glu217Gln)

Gene: CABP4 (calcium binding protein 4; plus strand). Cytogenetic location: 11q13.2.
Variant type: single nucleotide variant.
Coding change: c.649G>C on transcript NM_145200.5 (MANE Select); coding-DNA position 649, G replaced by C.
Protein change: p.Glu217Gln; replaces glutamic acid 217 with glutamine.
Molecular consequence: missense variant. On other transcripts: non-coding transcript variant (1).
Genome position (GRCh38, 1-based): chr11:67,457,680, G>C. VCF-style: chr11-67457680-G-C. GRCh37 (hg19) VCF-style: chr11-67225151-G-C.
Other names: c.334G>C, p.Glu112Gln (NM_001300895.3, NM_001300896.3, NM_001379183.1); short protein forms E112Q, E217Q.
Identifiers: ClinVar variation 1922134 (VCV001922134.5), dbSNP rs2495279769, ClinGen allele CA381531923.
Genomic context (GRCh38, chr11:67,457,680, plus strand): 5'-AAGCTGAGGGAGGAGACGGCGCACATGCTGGGGGTGCGAGAGCTGCGCATCGCCTTCCGA[G>C]AGGTGCGGAGTGTGGTGAGGTGGGCAGAGGGGGGCAGGGCTGGGTGGCATCCTTGCTGGC-3'
Protein context (NP_660201.1, residues 207-227): GVRELRIAFR[Glu217Gln]FDRDRDGRIT